The following is an entry in ClinVar:

ClinVar aggregate classification (germline): Likely pathogenic. Review status: criteria provided, multiple submitters, no conflicts (2 of 4 stars). 5 submissions from 5 submitters: Likely pathogenic (4). 1 of the submissions does not count toward it. Last evaluated 2025-07-16.

Conditions:
Dyskeratosis congenita, autosomal recessive 5 (DKCB5). Identifiers: MedGen C3554656, MONDO:0014076, OMIM 615190.
Pulmonary fibrosis and/or bone marrow failure, Telomere-related, 3. Also called: PULMONARY FIBROSIS AND/OR BONE MARROW FAILURE SYNDROME, TELOMERE-RELATED, 3. Identifiers: Orphanet 2032, MedGen C4225346, MONDO:0014613, OMIM 616373.
Dyskeratosis congenita. Identifiers: Orphanet 1775, MedGen C0265965, MONDO:0015780.

Allele frequency attached by ClinVar (database versions not stated): gnomAD exomes below 0.00001 and 0.00001; gnomAD 0.00001; TOPMed 0.00002.

Submissions (5):

Natera, Inc.
Classification: Likely pathogenic for Dyskeratosis congenita. Last evaluated: 2025-07-16. Review status: criteria provided, single submitter. Criteria: Natera Variant Classification Schema (03/2026). Collection method: clinical testing. Allele origin: germline.
Comment: The c.1109+1G>T variant in RTEL1 is a canonical splice donor site variant predicted to affect pre-mRNA splicing, which may result in an abnormal transcript and altered protein product. This variant is expected to result in nonsense mediated decay, truncation, or a dysfunctional protein product. This variant is rare in the general population with a frequency below the threshold expected for the associated phenotype(s). Given the available evidence, this variant is classified as Likely Pathogenic.

Labcorp Genetics (formerly Invitae), Labcorp
Classification: Likely pathogenic for Dyskeratosis congenita, autosomal recessive 5; Pulmonary fibrosis and/or bone marrow failure, Telomere-related, 3. Last evaluated: 2024-08-04. Review status: criteria provided, single submitter. Criteria: Invitae Variant Classification Sherloc (09022015). Collection method: clinical testing. Allele origin: germline.
Comment: This sequence change affects a donor splice site in intron 12 of the RTEL1 gene. It is expected to disrupt RNA splicing. Variants that disrupt the donor or acceptor splice site typically lead to a loss of protein function (PMID: 16199547), and loss-of-function variants in RTEL1 are known to be pathogenic (PMID: 23453664, 23959892, 25607374). This variant is present in population databases (no rsID available, gnomAD 0.002%). This variant has not been reported in the literature in individuals affected with RTEL1-related conditions. ClinVar contains an entry for this variant (Variation ID: 553724). Algorithms developed to predict the effect of sequence changes on RNA splicing suggest that this variant may disrupt the consensus splice site. In summary, the currently available evidence indicates that the variant is pathogenic, but additional data are needed to prove that conclusively. Therefore, this variant has been classified as Likely Pathogenic.

Fulgent Genetics
Classification: Likely pathogenic for Dyskeratosis congenita, autosomal recessive 5; Pulmonary fibrosis and/or bone marrow failure, Telomere-related, 3. Last evaluated: 2024-05-13. Review status: criteria provided, single submitter. Criteria: ACMG Guidelines, 2015. Collection method: clinical testing. Allele origin: germline.

Baylor Genetics
Classification: Likely pathogenic for Dyskeratosis congenita, autosomal recessive 5. Last evaluated: 2023-09-27. Review status: criteria provided, single submitter. Criteria: ACMG Guidelines, 2015. Collection method: clinical testing. Allele origin: unknown.

Counsyl
Classification: Likely pathogenic for Dyskeratosis congenita, autosomal recessive 5. Last evaluated: 2017-09-06. Review status: no assertion criteria provided. Collection method: clinical testing. Allele origin: unknown. Not counted in ClinVar's aggregate classification.

Literature cited by the submitters: PubMed 16199547 (cited by Labcorp Genetics (formerly Invitae), Labcorp); PubMed 23453664 (cited by Labcorp Genetics (formerly Invitae), Labcorp); PubMed 23959892 (cited by Labcorp Genetics (formerly Invitae), Labcorp); PubMed 25607374 (cited by Labcorp Genetics (formerly Invitae), Labcorp).

NM_001283009.2(RTEL1):c.1037+1G>T

Genes: RTEL1 (regulator of telomere elongation helicase 1; plus strand), RTEL1-TNFRSF6B (RTEL1-TNFRSF6B readthrough (NMD candidate); plus strand). Cytogenetic location: 20q13.33.
Variant type: single nucleotide variant.
Coding change: c.1037+1G>T on transcript NM_001283009.2 (MANE Select); the canonical splice donor site of the intron after coding-DNA position 1037, G replaced by T.
Molecular consequence: splice donor variant.
Genome position (GRCh38, 1-based): chr20:63,678,347, G>T. VCF-style: chr20-63678347-G-T. GRCh37 (hg19) VCF-style: chr20-62309700-G-T.
Other names: c.368+1G>T (NM_001283010.1); c.1109+1G>T (NM_032957.5); c.1037+1G>T (NM_016434.4).
Identifiers: ClinVar variation 553724 (VCV000553724.7), dbSNP rs895722334, ClinGen allele CA317500289.